The following is an entry in ClinVar:

ClinVar aggregate classification (germline): Pathogenic. Review status: reviewed by expert panel (3 of 4 stars). 10 submissions from 10 submitters: Pathogenic (1). 9 of the submissions do not count toward it. Last evaluated 2016-10-18.

Conditions:
Familial cancer of breast. Also called: Hereditary breast cancer; hereditary breast carcinoma; BREAST CANCER, FAMILIAL. Identifiers: Orphanet 227535, MedGen C0346153, MONDO:0016419, OMIM 114480. Disease mechanism: loss of function.
Breast-ovarian cancer, familial, susceptibility to, 2 (BROVCA2). Also called: BRCA2 Hereditary Breast and Ovarian Cancer. Identifiers: Orphanet 145, MedGen C2675520, MONDO:0012933, OMIM 612555. Disease mechanism: loss of function.
Wilms tumor 1 (WT1). Also called: Wilms tumor, somatic. Identifiers: Orphanet 654, MedGen CN033288, MONDO:0008679, OMIM 194070.
Pancreatic cancer, susceptibility to, 2. Identifiers: Orphanet 1333, MedGen C3150546, MONDO:0013235, OMIM 613347.
Glioma susceptibility 3 (GLM3). Also called: Glioblastoma 3. Identifiers: Orphanet 182067, Orphanet 360, MedGen C2751641, MONDO:0013093, OMIM 613029.
Familial prostate cancer. Also called: Hereditary Prostate Cancer. Identifiers: MedGen C2931456, MONDO:0700275, OMIM 176807.
Fanconi anemia complementation group D1. Also called: BRCA2-Related Fanconi Anemia. Identifiers: Orphanet 319462, MedGen C1838457, MONDO:0011584, OMIM 605724.
Medulloblastoma (MDB). Also called: MEDULLOBLASTOMA PREDISPOSITION SYNDROME; Medulloblastoma, somatic. Identifiers: Orphanet 616, MedGen C0025149, MeSH D008527, MONDO:0007959, OMIM 155255, HP:0002885.
Hereditary cancer-predisposing syndrome. Also called: Hereditary Cancer Syndrome; Neoplastic Syndromes, Hereditary; Tumor predisposition; Hereditary neoplastic syndrome. Identifiers: Orphanet 140162, MedGen C0027672, MeSH D009386, MONDO:0015356.
Hereditary breast ovarian cancer syndrome. Also called: Hereditary breast and ovarian cancer; Hereditary breast and ovarian cancer syndrome (HBOC); Hereditary breast and/or ovarian cancer syndrome; Hereditary breast and ovarian cancer syndrome; Breast and ovarian cancer; BRCA1- and BRCA2-Associated Hereditary Breast and Ovarian Cancer. Identifiers: Orphanet 145, MedGen C0677776, MeSH D061325, MONDO:0003582. Disease mechanism: loss of function.

Submissions (10):

Evidence-based Network for the Interpretation of Germline Mutant Alleles (ENIGMA)
Classification: Pathogenic for Breast-ovarian cancer, familial, susceptibility to, 2. Last evaluated: 2016-10-18. Review status: reviewed by expert panel. Criteria: ENIGMA BRCA1/2 Classification Criteria (2015). Collection method: curation. Allele origin: germline.
Comment: Variant allele predicted to encode a truncated non-functional protein.

Fulgent Genetics
Classification: Pathogenic for Familial cancer of breast; Medulloblastoma; Familial prostate cancer; Wilms tumor 1; Fanconi anemia complementation group D1; Breast-ovarian cancer, familial, susceptibility to, 2; Glioma susceptibility 3; Pancreatic cancer, susceptibility to, 2. Last evaluated: 2024-03-18. Review status: criteria provided, single submitter. Criteria: ACMG Guidelines, 2015. Collection method: clinical testing. Allele origin: germline. Not counted in ClinVar's aggregate classification.

GeneDx
Classification: Pathogenic. Last evaluated: 2024-02-08. Review status: criteria provided, single submitter. Criteria: GeneDx Variant Classification Process June 2021. Collection method: clinical testing. Allele origin: germline. Affected: yes. Not counted in ClinVar's aggregate classification.
Comment: Frameshift variant predicted to result in protein truncation or nonsense mediated decay in a gene for which loss of function is a known mechanism of disease; Not observed at significant frequency in large population cohorts (gnomAD); Truncating variants in this gene are considered pathogenic by a well-established clinical consortium and/or database; Also known as 8402_8413del12insTT; This variant is associated with the following publications: (PMID: 29884136, 20232139, 22426013, 29446198, 30927264)

Ambry Genetics
Classification: Pathogenic for Hereditary cancer-predisposing syndrome. Last evaluated: 2023-02-07. Review status: criteria provided, single submitter. Criteria: Ambry Variant Classification Scheme 2023. Collection method: clinical testing. Allele origin: germline. Not counted in ClinVar's aggregate classification.
Comment: The c.8174_8185del12insTT pathogenic mutation, located in coding exon 17 of the BRCA2 gene, results from the deletion of 12 nucleotides and insertion of two nucleotides causing a translational frameshift with a predicted alternate stop codon (p.W2725Ffs*5). This mutation has been reported in hereditary breast and/or ovarian cancer families (Diez O et al. Breast Cancer Res. Treat. 2010 Sep;123(2):587-90; Rebbeck TR et al. Hum. Mutat. 2018 05;39(5):593-620). Of note, this mutation is also designated as c.8402_8413del12ins2bp in published literature. This variant is considered to be rare based on population cohorts in the Genome Aggregation Database (gnomAD). In addition to the clinical data presented in the literature, this alteration is expected to result in loss of function by premature protein truncation or nonsense-mediated mRNA decay. As such, this alteration is interpreted as a disease-causing mutation.

Quest Diagnostics Nichols Institute San Juan Capistrano
Classification: Pathogenic. Last evaluated: 2022-07-03. Review status: criteria provided, single submitter. Criteria: Quest Diagnostics criteria. Collection method: clinical testing. Allele origin: unknown. Not counted in ClinVar's aggregate classification.
Comment: This frameshift variant alters the translational reading frame of the BRCA2 mRNA and causes the premature termination of BRCA2 protein synthesis. This variant has not been reported in large, multi-ethnic general populations. In the published literature, the variant has been reported in individual with breast cancer (PMID: 30927264 (2019), 29884136 (2018), 20232139 (2010)). Based on the available information, this variant is classified as pathogenic.

Baylor Genetics
Classification: Pathogenic for Familial cancer of breast. Last evaluated: 2021-12-29. Review status: criteria provided, single submitter. Criteria: ACMG Guidelines, 2015. Collection method: clinical testing. Allele origin: unknown. Not counted in ClinVar's aggregate classification.

Labcorp Genetics (formerly Invitae), Labcorp
Classification: Pathogenic for Hereditary breast ovarian cancer syndrome. Last evaluated: 2021-12-20. Review status: criteria provided, single submitter. Criteria: Invitae Variant Classification Sherloc (09022015). Collection method: clinical testing. Allele origin: germline. Not counted in ClinVar's aggregate classification.
Comment: This variant is not present in population databases (gnomAD no frequency). This sequence change creates a premature translational stop signal (p.Trp2725Phefs*5) in the BRCA2 gene. It is expected to result in an absent or disrupted protein product. Loss-of-function variants in BRCA2 are known to be pathogenic (PMID: 20104584). This premature translational stop signal has been observed in individual(s) with personal and family history of breast and/or ovarian cancer (PMID: 20232139, 22426013). It has also been observed to segregate with disease in related individuals. This variant is also known as c.8402_8413del12ins2bp. For these reasons, this variant has been classified as Pathogenic.

Women's Health and Genetics/Laboratory Corporation of America, LabCorp
Classification: Pathogenic for Hereditary breast ovarian cancer syndrome. Last evaluated: 2021-03-18. Review status: criteria provided, single submitter. Criteria: LabCorp Variant Classification Summary - May 2015. Collection method: clinical testing. Allele origin: germline. Not counted in ClinVar's aggregate classification.
Comment: Variant summary: BRCA2 c.8174_8185delinsTT (p.Trp2725PhefsX5) results in a premature termination codon, predicted to cause a truncation of the encoded protein or absence of the protein due to nonsense mediated decay, which are commonly known mechanisms for disease. Truncations downstream of this position have been classified as pathogenic by our laboratory. The variant was absent in 31394 control chromosomes (gnomAD). c.8174_8185delinsTT has been reported in the literature in individuals affected with breast cancer and/or ovarian cancer (Diez_2010, Rebbeck_2018, Pajares_2018, Feliubadalo_2019). In addition, in one Spanish family, the variant co-segregated with breast cancer (Diez_2010). These data indicate that the variant is likely to be associated with disease. To our knowledge, no experimental evidence demonstrating an impact on protein function has been reported. Five ClinVar submitters, including one expert panel (ENIGMA), (evaluation after 2014) cite the variant as pathogenic. Based on the evidence outlined above, the variant was classified as pathogenic.

Genologica Medica
Classification: Pathogenic for Breast-ovarian cancer, familial, susceptibility to, 2. Last evaluated: 2017-01-01. Review status: criteria provided, single submitter. Criteria: ACMG Guidelines, 2015. Collection method: clinical testing. Allele origin: germline. Affected: yes. Not counted in ClinVar's aggregate classification.

Consortium of Investigators of Modifiers of BRCA1/2 (CIMBA), c/o University of Cambridge
Classification: Pathogenic for Breast-ovarian cancer, familial, susceptibility to, 2. Last evaluated: 2015-10-02. Review status: criteria provided, single submitter. Criteria: CIMBA Mutation Classification guidelines May 2016. Collection method: clinical testing. Allele origin: germline. Not counted in ClinVar's aggregate classification.

Literature cited by the submitters: PubMed 30927264 (cited by Quest Diagnostics Nichols Institute San Juan Capistrano and Women's Health and Genetics/Laboratory Corporation of America, LabCorp); PubMed 29884136 (cited by Quest Diagnostics Nichols Institute San Juan Capistrano and Women's Health and Genetics/Laboratory Corporation of America, LabCorp); PubMed 29446198 (cited by Quest Diagnostics Nichols Institute San Juan Capistrano and Women's Health and Genetics/Laboratory Corporation of America, LabCorp); PubMed 20232139 (cited by 3 submitters); PubMed 20104584 (cited by Labcorp Genetics (formerly Invitae), Labcorp); PubMed 22426013 (cited by Labcorp Genetics (formerly Invitae), Labcorp).

NM_000059.4(BRCA2):c.8174_8185delinsTT (p.Trp2725fs)

Gene: BRCA2 (BRCA2 DNA repair associated; plus strand). Cytogenetic location: 13q13.1.
Variant type: Indel.
Coding change: c.8174_8185delinsTT on transcript NM_000059.4 (MANE Select); coding-DNA positions 8174 to 8185, GGTATGCTGTTA replaced by TT.
Protein change: p.Trp2725fs; shifts the reading frame from tryptophan 2725.
Molecular consequence: frameshift variant.
Genome position (GRCh38, 1-based): chr13:32,363,376-32,363,387, GGTATGCTGTTA replaced by TT. VCF-style: chr13-32363376-GGTATGCTGTTA-TT. GRCh37 (hg19) VCF-style: chr13-32937513-GGTATGCTGTTA-TT.
Other names: 8402del12insTT; c.8174_8185delGGTATGCTGTTAinsTT (NM_000059.3); short protein forms W2725fs.
Identifiers: ClinVar variation 182322 (VCV000182322.20), dbSNP rs730881615, ClinGen allele CA025487.